The following is an entry in ClinVar:

NM_007294.4(BRCA1):c.5058T>C (p.His1686=)

Gene: BRCA1 (BRCA1 DNA repair associated; minus strand). Cytogenetic location: 17q21.31.
Variant type: single nucleotide variant.
Coding change: c.5058T>C on transcript NM_007294.4 (MANE Select); coding-DNA position 5058, T replaced by C.
Protein change: p.His1686=; no amino-acid change (histidine 1686 retained).
Molecular consequence: synonymous variant. On other transcripts: intron variant (1).
Genome position (GRCh38, 1-based): chr17:43,067,624, A>G on the plus strand (T>C on the coding strand, the complement: BRCA1 is on the minus strand). VCF-style: chr17-43067624-A-G. GRCh37 (hg19) VCF-style: chr17-41219641-A-G.
Other names: c.1485T>C, p.His495= (NM_001408500.1, NM_001408501.1, NM_001408496.1 and 3 more transcripts); c.1482T>C, p.His494= (NM_001408502.1, NM_001408503.1, NM_001408504.1); c.1479T>C, p.His493= (NM_001408505.1); c.1422T>C, p.His474= (NM_001408506.1); c.1419T>C, p.His473= (NM_001408507.1); c.1410T>C, p.His470= (NM_001408508.1); c.1407T>C, p.His469= (NM_001408509.1); c.1368T>C, p.His456= (NM_001408510.1); and 71 more.
Identifiers: ClinVar variation 462658 (VCV000462658.21), dbSNP rs397509218, ClinGen allele CA053761.

ClinVar aggregate classification (germline): Likely benign. Review status: criteria provided, multiple submitters, no conflicts (2 of 4 stars). 4 submissions from 4 submitters: Likely benign (4). Last evaluated 2024-08-27.

Conditions:
Hereditary cancer-predisposing syndrome. Also called: Neoplastic Syndromes, Hereditary; Hereditary neoplastic syndrome; Tumor predisposition; Hereditary Cancer Syndrome. Identifiers: Orphanet 140162, MedGen C0027672, MeSH D009386, MONDO:0015356.
Hereditary breast ovarian cancer syndrome. Also called: Hereditary breast and ovarian cancer syndrome (HBOC); BRCA1- and BRCA2-Associated Hereditary Breast and Ovarian Cancer; Hereditary breast and/or ovarian cancer syndrome; Hereditary breast and ovarian cancer syndrome; Hereditary breast and ovarian cancer; Breast and ovarian cancer. Identifiers: Orphanet 145, MedGen C0677776, MeSH D061325, MONDO:0003582. Disease mechanism: loss of function.
Breast-ovarian cancer, familial, susceptibility to, 1 (BROVCA1). Also called: BRCA1 Hereditary Breast and Ovarian Cancer; OVARIAN CANCER, SUSCEPTIBILITY TO. Identifiers: Orphanet 145, MedGen C2676676, MONDO:0011450, OMIM 604370. Disease mechanism: loss of function.

Allele frequency attached by ClinVar (database versions not stated): gnomAD exomes below 0.00001; ExAC 0.00001.

Submissions (5):

Labcorp Genetics (formerly Invitae), Labcorp
Classification: Likely benign for Hereditary breast ovarian cancer syndrome. Last evaluated: 2024-08-27. Review status: criteria provided, single submitter. Criteria: Invitae Variant Classification Sherloc (09022015). Collection method: clinical testing. Allele origin: germline.

All of Us Research Program, National Institutes of Health
Classification: Likely benign for Breast-ovarian cancer, familial, susceptibility to, 1. Last evaluated: 2023-06-26. Review status: criteria provided, single submitter. Criteria: ACMG Guidelines, 2015. Collection method: clinical testing. Allele origin: germline. Inheritance: Autosomal dominant inheritance. Observed: 1 variant allele, 1 heterozygote.
Comment: This study involves interpretation of variants in research participants for the purpose of population health screening. Participant phenotype was not available at the time of variant classification. Additional details can be found in publication PMID: 35346344, PMCID: PMC8962531

Ambry Genetics
Classification: Likely benign for Hereditary cancer-predisposing syndrome. Last evaluated: 2017-01-04. Review status: criteria provided, single submitter. Criteria: Ambry Variant Classification Scheme 2023. Collection method: clinical testing. Allele origin: germline.

Color Diagnostics, LLC DBA Color Health
Classification: Likely benign for Hereditary cancer-predisposing syndrome. Last evaluated: 2015-09-09. Review status: criteria provided, single submitter. Criteria: ACMG Guidelines, 2015. Collection method: clinical testing. Allele origin: germline.

Brotman Baty Institute, University of Washington
No classification provided (evidence only). Condition: Breast-ovarian cancer, familial 1. Review status: no classification provided. Collection method: in vitro. Allele origin: not applicable. Functional consequence: functionally_normal. Not counted in ClinVar's aggregate classification.
ClinVar note: "not provided" was previously submitted as the classification for the variant. However, the classification appeared to be based only on an observation of functional data so it was converted to no classification on 2025-07-30.